The following is an entry in ClinVar:

NM_000294.3(PHKG2):c.469G>A (p.Glu157Lys)

Gene: PHKG2 (phosphorylase kinase catalytic subunit gamma 2; plus strand). Cytogenetic location: 16p11.2.
Variant type: single nucleotide variant.
Coding change: c.469G>A on transcript NM_000294.3 (MANE Select); coding-DNA position 469, G replaced by A.
Protein change: p.Glu157Lys; replaces glutamic acid 157 with lysine.
Molecular consequence: missense variant.
Genome position (GRCh38, 1-based): chr16:30,753,470, G>A. VCF-style: chr16-30753470-G-A. GRCh37 (hg19) VCF-style: chr16-30764791-G-A.
Other names: c.469G>A, p.Glu157Lys (NM_001172432.2); short protein forms E157K.
Identifiers: ClinVar variation 623365 (VCV000623365.15), dbSNP rs752961445, ClinGen allele CA8013187.

ClinVar aggregate classification (germline): Pathogenic. Review status: criteria provided, multiple submitters, no conflicts (2 of 4 stars). 5 submissions from 5 submitters: Pathogenic (3). 2 of the submissions do not count toward it. Last evaluated 2024-05-02.

Conditions:
Glycogen storage disease IXc (GSD9C). Also called: GSD IXc. Identifiers: Orphanet 264580, MedGen C2751643, MONDO:0013091, OMIM 613027.
Glycogen phosphorylase kinase deficiency. Also called: Phosphorylase Kinase Deficiency; Glycogen Storage Disease Type IX. Identifiers: Orphanet 370, MedGen C0268147, MONDO:0700291.

Allele frequency attached by ClinVar (database versions not stated): gnomAD 0.00001; gnomAD exomes 0.00001; TOPMed 0.00001; ExAC 0.00002.
gnomAD v4.1: 10 of 1,614,052 alleles (0.00062%); highest among the groups gnomAD compares: East Asian, 0.0045%; no homozygotes.

Submissions (5):

Fulgent Genetics
Classification: Pathogenic for Glycogen storage disease IXc. Last evaluated: 2024-05-02. Review status: criteria provided, single submitter. Criteria: ACMG Guidelines, 2015. Collection method: clinical testing. Allele origin: germline.

Women's Health and Genetics/Laboratory Corporation of America, LabCorp
Classification: Pathogenic for Glycogen phosphorylase kinase deficiency. Last evaluated: 2024-04-29. Review status: criteria provided, single submitter. Criteria: LabCorp Variant Classification Summary - May 2015. Collection method: clinical testing. Allele origin: germline.
Comment: Variant summary: PHKG2 c.469G>A (p.Glu157Lys) results in a conservative amino acid change in the encoded protein sequence. Three of five in-silico tools predict a damaging effect of the variant on protein function. The variant allele was found at a frequency of 8e-06 in 251474 control chromosomes. c.469G>A has been reported in the literature in the homozygous state in multiple individuals affected with Glycogen Phosphorylase Kinase Deficiency (e.g. Burwinkel_2003, Ahmed_2022). These data indicate that the variant is very likely to be associated with disease. To our knowledge, no experimental evidence demonstrating an impact on protein function has been reported. The following publications have been ascertained in the context of this evaluation (PMID: 34989216, 12930917). ClinVar contains an entry for this variant (Variation ID: 623365). Based on the evidence outlined above, the variant was classified as pathogenic.

Labcorp Genetics (formerly Invitae), Labcorp
Classification: Pathogenic for Glycogen storage disease IXc. Last evaluated: 2024-04-05. Review status: criteria provided, single submitter. Criteria: Invitae Variant Classification Sherloc (09022015). Collection method: clinical testing. Allele origin: germline.
Comment: This sequence change replaces glutamic acid, which is acidic and polar, with lysine, which is basic and polar, at codon 157 of the PHKG2 protein (p.Glu157Lys). This variant is present in population databases (rs752961445, gnomAD 0.0009%). This missense change has been observed in individuals with clinical features of glycogen storage disease type IXc (GSDIXc) (PMID: 12930917, 25266922; Invitae). ClinVar contains an entry for this variant (Variation ID: 623365). Advanced modeling of protein sequence and biophysical properties (such as structural, functional, and spatial information, amino acid conservation, physicochemical variation, residue mobility, and thermodynamic stability) performed at Invitae indicates that this missense variant is expected to disrupt PHKG2 protein function with a positive predictive value of 80%. For these reasons, this variant has been classified as Pathogenic.

Department of Genetics, Sultan Qaboos University Hospital
Classification: Likely pathogenic for Glycogen storage disease IXc. Last evaluated: 2017-12-30. Review status: no assertion criteria provided. Collection method: curation. Allele origin: unknown. Affected: yes. Not counted in ClinVar's aggregate classification.

Dubai Health Genomic Medicine Center, Dubai Health
Classification: Uncertain significance for Glycogen storage disease IXc. Last evaluated: 2020-09-21. Review status: flagged submission. Criteria: ACMG Guidelines, 2015. Collection method: clinical testing. Allele origin: germline. Affected: yes. Not counted in ClinVar's aggregate classification.
ClinVar note: Reason: Claim with insufficient supporting evidence

Literature cited by the submitters: PubMed 12930917 (cited by 3 submitters); PubMed 34989216 (cited by Women's Health and Genetics/Laboratory Corporation of America, LabCorp); PubMed 25266922 (cited by Labcorp Genetics (formerly Invitae), Labcorp).